The following is an entry in ClinVar:

NM_016169.4(SUFU):c.1247C>T (p.Ala416Val)

Gene: SUFU (SUFU negative regulator of hedgehog signaling; plus strand). Cytogenetic location: 10q24.32.
Variant type: single nucleotide variant.
Coding change: c.1247C>T on transcript NM_016169.4 (MANE Select); coding-DNA position 1247, C replaced by T.
Protein change: p.Ala416Val; replaces alanine 416 with valine.
Molecular consequence: missense variant.
Genome position (GRCh38, 1-based): chr10:102,617,379, C>T. VCF-style: chr10-102617379-C-T. GRCh37 (hg19) VCF-style: chr10-104377136-C-T.
Other names: c.1247C>T, p.Ala416Val (NM_001178133.2); short protein forms A416V.
Identifiers: ClinVar variation 3963852 (VCV003963852.1).

ClinVar aggregate classification (germline): Uncertain significance (1 of 4 stars; one submission).

Conditions:
Hereditary cancer-predisposing syndrome. Also called: Tumor predisposition; Hereditary neoplastic syndrome; Hereditary Cancer Syndrome; Neoplastic Syndromes, Hereditary. Identifiers: Orphanet 140162, MedGen C0027672, MeSH D009386, MONDO:0015356.

Submission:

Ambry Genetics
Classification: Uncertain significance for Hereditary cancer-predisposing syndrome. Last evaluated: 2025-03-17. Review status: criteria provided, single submitter. Criteria: Ambry Variant Classification Scheme 2023. Collection method: clinical testing. Allele origin: germline.
Comment: The p.A416V variant (also known as c.1247C>T), located in coding exon 10 of the SUFU gene, results from a C to T substitution at nucleotide position 1247. The alanine at codon 416 is replaced by valine, an amino acid with similar properties. This amino acid position is conserved. In addition, the in silico prediction for this alteration is inconclusive. Based on the available evidence, the clinical significance of this variant remains unclear.